The following is an entry in ClinVar:

NM_000336.3(SCNN1B):c.1636G>A (p.Asp546Asn)

Gene: SCNN1B (sodium channel epithelial 1 subunit beta; plus strand). Cytogenetic location: 16p12.2.
Variant type: single nucleotide variant.
Coding change: c.1636G>A on transcript NM_000336.3 (MANE Select); coding-DNA position 1636, G replaced by A.
Protein change: p.Asp546Asn; replaces aspartic acid 546 with asparagine.
Molecular consequence: missense variant.
Genome position (GRCh38, 1-based): chr16:23,380,514, G>A. VCF-style: chr16-23380514-G-A. GRCh37 (hg19) VCF-style: chr16-23391835-G-A.
Other names: c.1528G>A, p.Asp510Asn (NM_001410900.1); short protein forms D510N, D546N.
Identifiers: ClinVar variation 2962063 (VCV002962063.3), dbSNP rs112069765, ClinGen allele CA7960597.

ClinVar aggregate classification (germline): Uncertain significance (1 of 4 stars; one submission).

Allele frequency attached by ClinVar (database versions not stated): gnomAD exomes 0.00001; ExAC 0.00002; TOPMed 0.00003; gnomAD 0.00005; ESP Exome Variant Server 0.00008.
gnomAD v4.1: 29 of 1,614,104 alleles (0.0018%); highest among the groups gnomAD compares: African/African-American, 0.008%; no homozygotes.

Submission:

Labcorp Genetics (formerly Invitae), Labcorp
Classification: Uncertain significance. Last evaluated: 2023-04-09. Review status: criteria provided, single submitter. Criteria: Invitae Variant Classification Sherloc (09022015). Collection method: clinical testing. Allele origin: germline.
Comment: This sequence change replaces aspartic acid, which is acidic and polar, with asparagine, which is neutral and polar, at codon 546 of the SCNN1B protein (p.Asp546Asn). In summary, the available evidence is currently insufficient to determine the role of this variant in disease. Therefore, it has been classified as a Variant of Uncertain Significance. Advanced modeling of protein sequence and biophysical properties (such as structural, functional, and spatial information, amino acid conservation, physicochemical variation, residue mobility, and thermodynamic stability) performed at Invitae indicates that this missense variant is not expected to disrupt SCNN1B protein function. This variant has not been reported in the literature in individuals affected with SCNN1B-related conditions. This variant is present in population databases (rs112069765, gnomAD 0.008%).